The following is an entry in ClinVar:

NM_016103.4(SAR1B):c.572G>A (p.Arg191His)

Gene: SAR1B (secretion associated Ras related GTPase 1B; minus strand). Cytogenetic location: 5q31.1.
Variant type: single nucleotide variant.
Coding change: c.572G>A on transcript NM_016103.4 (MANE Select); coding-DNA position 572, G replaced by A.
Protein change: p.Arg191His; replaces arginine 191 with histidine.
Molecular consequence: missense variant.
Genome position (GRCh38, 1-based): chr5:134,606,975, C>T on the plus strand (G>A on the coding strand, the complement: SAR1B is on the minus strand). VCF-style: chr5-134606975-C-T. GRCh37 (hg19) VCF-style: chr5-133942665-C-T.
Other names: c.572G>A, p.Arg191His (NM_001033503.3); c.572G>A (NM_001033503.2); short protein forms R191H.
Identifiers: ClinVar variation 1409638 (VCV001409638.5), dbSNP rs200409139, ClinGen allele CA3414399.
Genomic context (GRCh38, chr5:134,606,975, plus strand): 5'-TGAACGTTGAGACCTGGAACCAATGTGAGTTTGTGTTAATCAATGTACTGTGCCATCCAG[C>T]GGAAGCCTTCTCCGTAACCTTGTCTTTTGAGCACACTACACATGAAAACTTCTAAGGGTC-3'
Protein context (NP_057187.1, residues 181-198): LKRQGYGEGF[Arg191His]WMAQYID

ClinVar aggregate classification (germline): Uncertain significance. Review status: criteria provided, multiple submitters, no conflicts (2 of 4 stars). 2 submissions from 2 submitters: Uncertain significance (2). Last evaluated 2024-12-04.

Conditions:
Inborn genetic diseases. Identifiers: MedGen C0950123, MeSH D030342.

Allele frequency attached by ClinVar (database versions not stated): gnomAD exomes 0.00002 and 0.00010; gnomAD 0.00004 and 0.00005; ExAC 0.00005; ESP Exome Variant Server 0.00008; 1000 Genomes Project 30x 0.00031; 1000 Genomes Project 0.00040.
gnomAD v4.1: 46 of 1,613,410 alleles (0.0029%); highest among the groups gnomAD compares: Admixed American, 0.032%; no homozygotes.

Submissions (2):

Ambry Genetics
Classification: Uncertain significance for Inborn genetic diseases. Last evaluated: 2024-12-04. Review status: criteria provided, single submitter. Criteria: Ambry Variant Classification Scheme 2023. Collection method: clinical testing. Allele origin: germline.
Comment: The c.572G>A (p.R191H) alteration is located in exon 8 (coding exon 6) of the SAR1B gene. This alteration results from a G to A substitution at nucleotide position 572, causing the arginine (R) at amino acid position 191 to be replaced by a histidine (H). The in silico prediction for the p.R191H alteration is inconclusive. Based on insufficient or conflicting evidence, the clinical significance of this alteration remains unclear.

Labcorp Genetics (formerly Invitae), Labcorp
Classification: Uncertain significance. Last evaluated: 2021-08-20. Review status: criteria provided, single submitter. Criteria: Invitae Variant Classification Sherloc (09022015). Collection method: clinical testing. Allele origin: germline.
Comment: This sequence change replaces arginine with histidine at codon 191 of the SAR1B protein (p.Arg191His). The arginine residue is highly conserved and there is a small physicochemical difference between arginine and histidine. This variant is present in population databases (rs200409139, ExAC 0.02%). This variant has not been reported in the literature in individuals affected with SAR1B-related conditions. Algorithms developed to predict the effect of missense changes on protein structure and function are either unavailable or do not agree on the potential impact of this missense change (SIFT: "Deleterious"; PolyPhen-2: "Benign"; Align-GVGD: "Class C0"). In summary, the available evidence is currently insufficient to determine the role of this variant in disease. Therefore, it has been classified as a Variant of Uncertain Significance.